The following is an entry in ClinVar:

ClinVar aggregate classification (germline): Uncertain significance. Review status: criteria provided, multiple submitters, no conflicts (2 of 4 stars). 3 submissions from 3 submitters: Uncertain significance (3). Last evaluated 2024-10-22.

Conditions:
Hereditary cancer-predisposing syndrome. Also called: Tumor predisposition; Neoplastic Syndromes, Hereditary; Hereditary Cancer Syndrome; Hereditary neoplastic syndrome. Identifiers: Orphanet 140162, MedGen C0027672, MeSH D009386, MONDO:0015356.
Cardiovascular phenotype. Identifiers: MedGen CN230736.
Neurofibromatosis, type 1 (NF1). Also called: Neurofibromatosis, type I; NEUROFIBROMATOSIS, TYPE I, SOMATIC; Peripheral type neurofibromatosis; VON RECKLINGHAUSEN DISEASE. Identifiers: Orphanet 636, MedGen C0027831, MONDO:0018975, OMIM 162200. Disease mechanism: loss of function.

Submissions (3):

Labcorp Genetics (formerly Invitae), Labcorp
Classification: Uncertain significance for Neurofibromatosis, type 1. Last evaluated: 2024-10-22. Review status: criteria provided, single submitter. Criteria: Invitae Variant Classification Sherloc (09022015). Collection method: clinical testing. Allele origin: germline.
Comment: This sequence change replaces valine, which is neutral and non-polar, with leucine, which is neutral and non-polar, at codon 253 of the NF1 protein (p.Val253Leu). This variant is not present in population databases (gnomAD no frequency). This variant has not been reported in the literature in individuals affected with NF1-related conditions. ClinVar contains an entry for this variant (Variation ID: 404448). Invitae Evidence Modeling of protein sequence and biophysical properties (such as structural, functional, and spatial information, amino acid conservation, physicochemical variation, residue mobility, and thermodynamic stability) indicates that this missense variant is not expected to disrupt NF1 protein function with a negative predictive value of 95%. In summary, the available evidence is currently insufficient to determine the role of this variant in disease. Therefore, it has been classified as a Variant of Uncertain Significance.

Ambry Genetics
Classification: Uncertain significance for Cardiovascular phenotype; Hereditary cancer-predisposing syndrome. Last evaluated: 2024-06-29. Review status: criteria provided, single submitter. Criteria: Ambry Variant Classification Scheme 2023. Collection method: clinical testing. Allele origin: germline.
Comment: The p.V253L variant (also known as c.757G>T), located in coding exon 8 of the NF1 gene, results from a G to T substitution at nucleotide position 757. The valine at codon 253 is replaced by leucine, an amino acid with highly similar properties. This amino acid position is highly conserved in available vertebrate species. In addition, this alteration is predicted to be deleterious by in silico analysis. Since supporting evidence is limited at this time, the clinical significance of this alteration remains unclear.

Genome-Nilou Lab
Classification: Uncertain significance for Neurofibromatosis, type 1. Last evaluated: 2022-03-15. Review status: criteria provided, single submitter. Criteria: ACMG Guidelines, 2015. Collection method: clinical testing. Allele origin: germline. Affected: no.

NM_001042492.3(NF1):c.757G>T (p.Val253Leu)

Gene: NF1 (neurofibromin 1; plus strand). Cytogenetic location: 17q11.2.
Variant type: single nucleotide variant.
Coding change: c.757G>T on transcript NM_001042492.3 (MANE Select); coding-DNA position 757, G replaced by T.
Protein change: p.Val253Leu; replaces valine 253 with leucine.
Molecular consequence: missense variant.
Genome position (GRCh38, 1-based): chr17:31,182,534, G>T. VCF-style: chr17-31182534-G-T. GRCh37 (hg19) VCF-style: chr17-29509552-G-T.
Other names: c.757G>T, p.Val253Leu (NM_000267.4, NM_001128147.3); short protein forms V253L.
Identifiers: ClinVar variation 404448 (VCV000404448.14), dbSNP rs786203607, ClinGen allele CA16615564.